The following is an entry in ClinVar:

NM_031418.4(ANO3):c.1915C>T (p.Leu639=)

Gene: ANO3 (anoctamin 3; plus strand). Cytogenetic location: 11p14.2.
Variant type: single nucleotide variant.
Coding change: c.1915C>T on transcript NM_031418.4 (MANE Select); coding-DNA position 1915, C replaced by T.
Protein change: p.Leu639=; no amino-acid change (leucine 639 retained).
Molecular consequence: synonymous variant.
Genome position (GRCh38, 1-based): chr11:26,634,245, C>T. VCF-style: chr11-26634245-C-T. GRCh37 (hg19) VCF-style: chr11-26655792-C-T.
Other names: c.1915C>T (NM_031418.3); c.2098C>T, p.Leu700= (NM_001313726.2); c.1477C>T, p.Leu493= (NM_001313727.2).
Identifiers: ClinVar variation 695983 (VCV000695983.29), dbSNP rs149866447, ClinGen allele CA5926369.

ClinVar aggregate classification (germline): Benign/Likely benign. Review status: criteria provided, multiple submitters, no conflicts (2 of 4 stars). 9 submissions from 9 submitters: Benign (2); Likely benign (4). 3 of the submissions do not count toward it. Last evaluated 2025-10-13.

Conditions:
ANO3-related disorder. Also called: ANO3-related condition.
Dystonic disorder. Also called: Dystonia. Identifiers: MedGen C0013421, MONDO:0003441, HP:0001332.
Dystonia 24 (DYT24). Also called: DYT-ANO3. Identifiers: Orphanet 420485, MedGen C3554374, MONDO:0014019, OMIM 615034.

Allele frequency attached by ClinVar (database versions not stated): ExAC 0.00028; gnomAD exomes 0.00031 and 0.00050; gnomAD 0.00040 and 0.00043; TOPMed 0.00040; ESP Exome Variant Server 0.00046.
gnomAD v4.1: 786 of 1,613,778 alleles (0.049%); highest among the groups gnomAD compares: Non-Finnish European, 0.062%; 1 homozygote.

Submissions (9):

Labcorp Genetics (formerly Invitae), Labcorp
Classification: Likely benign for Dystonic disorder. Last evaluated: 2025-10-13. Review status: criteria provided, single submitter. Criteria: Invitae Variant Classification Sherloc (09022015). Collection method: clinical testing. Allele origin: germline.

CeGaT Center for Human Genetics Tuebingen
Classification: Likely benign. Last evaluated: 2025-04-01. Review status: criteria provided, single submitter. Criteria: CeGaT Center For Human Genetics Tuebingen Variant Classification Criteria Version 2. Collection method: clinical testing. Allele origin: germline. Affected: yes. Observed: 1 variant allele.
Comment: ANO3: BP4, BP7

Blueprint Genetics
Classification: Likely benign. Last evaluated: 2024-11-25. Review status: criteria provided, single submitter. Criteria: ACMG Guidelines, 2015. Collection method: clinical testing. Allele origin: germline.

Genome-Nilou Lab
Classification: Benign for Dystonia 24. Last evaluated: 2021-12-05. Review status: criteria provided, single submitter. Criteria: ACMG Guidelines, 2015. Collection method: clinical testing. Allele origin: germline. Affected: no.

GeneDx
Classification: Benign. Last evaluated: 2019-08-15. Review status: criteria provided, single submitter. Criteria: GeneDx Variant Classification Process June 2021. Collection method: clinical testing. Allele origin: germline. Affected: yes.

Breakthrough Genomics
Classification: Likely benign. Review status: criteria provided, single submitter. Criteria: ACMG Guidelines, 2015. Collection method: not provided. Allele origin: germline. Inheritance: Autosomal dominant inheritance. Affected: yes.

PreventionGenetics, part of Exact Sciences
Classification: Likely benign for ANO3-related condition. Last evaluated: 2020-01-10. Review status: no assertion criteria provided. Collection method: clinical testing. Allele origin: germline. Not counted in ClinVar's aggregate classification.
Comment: This variant is classified as likely benign based on ACMG/AMP sequence variant interpretation guidelines (Richards et al. 2015 PMID: 25741868, with internal and published modifications).

Clinical Genetics DNA and cytogenetics Diagnostics Lab, Erasmus MC, Erasmus Medical Center
Classification: Likely benign. Review status: no assertion criteria provided. Collection method: clinical testing. Allele origin: germline. Affected: yes. Study: VKGL Data-share Consensus. Not counted in ClinVar's aggregate classification.

Diagnostic Laboratory, Department of Genetics, University Medical Center Groningen
Classification: Likely benign. Review status: no assertion criteria provided. Collection method: clinical testing. Allele origin: germline. Affected: yes. Study: VKGL Data-share Consensus. Not counted in ClinVar's aggregate classification.